The following is an entry in ClinVar:

ClinVar aggregate classification (germline): Likely benign (0 of 4 stars; one submission).

Conditions:
CENPJ-related disorder. Also called: CENPJ-related disorders; CENPJ-related condition.

Submission:

PreventionGenetics, part of Exact Sciences
Classification: Likely benign for CENPJ-related condition. Last evaluated: 2021-06-22. Review status: no assertion criteria provided. Collection method: clinical testing. Allele origin: germline.
Comment: This variant is classified as likely benign based on ACMG/AMP sequence variant interpretation guidelines (Richards et al. 2015 PMID: 25741868, with internal and published modifications).

NM_018451.5(CPAP):c.564T>A (p.Leu188=)

Gene: CPAP (centrosome assembly and centriole elongation protein; minus strand). Cytogenetic location: 13q12.13.
Variant type: single nucleotide variant.
Coding change: c.564T>A on transcript NM_018451.5 (MANE Select); coding-DNA position 564, T replaced by A.
Protein change: p.Leu188=; no amino-acid change (leucine 188 retained).
Molecular consequence: synonymous variant. On other transcripts: non-coding transcript variant (2).
Genome position (GRCh38, 1-based): chr13:24,911,950, A>T on the plus strand (T>A on the coding strand, the complement: CPAP is on the minus strand). VCF-style: chr13-24911950-A-T. GRCh37 (hg19) VCF-style: chr13-25486088-A-T.
Identifiers: ClinVar variation 3057140 (VCV003057140.2), dbSNP rs2541722110, ClinGen allele CA482983598.
Genomic context (GRCh38, chr13:24,911,950, plus strand): 5'-ACAACTACAGGTAAGAAATGTGCATTATACTGAGGCCCTGTGTAGGCAAAGCATACCTGG[A>T]AGTGTGCACTGCCCAGACACCATGGTGAGCAGCTTCTCTTGTTCTTCCATGAGTCTCTGT-3'
Protein context (NP_060921.3, residues 178-198): LLTMVSGQCT[Leu188=]PGLSLLPDDQ